The following is an entry in ClinVar:

ClinVar aggregate classification (germline): Uncertain significance. Review status: criteria provided, multiple submitters, no conflicts (2 of 4 stars). 3 submissions from 3 submitters: Uncertain significance (3). Last evaluated 2025-08-08.

Conditions:
Cardiomyopathy (CMYO). Also called: Cardiomyopathies. Identifiers: Orphanet 167848, MedGen C0878544, MONDO:0004994, HP:0001638. Inheritance: Various modes of inheritance.
Catecholaminergic polymorphic ventricular tachycardia 1. Also called: VENTRICULAR TACHYCARDIA, STRESS-INDUCED POLYMORPHIC 1; VENTRICULAR TACHYCARDIA, CATECHOLAMINERGIC POLYMORPHIC, 1, WITH OR WITHOUT ATRIAL DYSFUNCTION AND/OR DILATED CARDIOMYOPATHY; RYR2-Related Catecholaminergic Polymorphic Ventricular Tachycardia. Identifiers: Orphanet 3286, MedGen C1631597, MONDO:0011484, OMIM 604772.

Allele frequency attached by ClinVar (database versions not stated): gnomAD exomes below 0.00001; ExAC 0.00001; TOPMed 0.00004; gnomAD 0.00005 and 0.00006.
gnomAD v4.1: 7 of 1,612,766 alleles (0.00043%); highest among the groups gnomAD compares: African/African-American, 0.0093%; no homozygotes.

Submissions (3):

Color Diagnostics, LLC DBA Color Health
Classification: Uncertain significance for Cardiomyopathy. Last evaluated: 2025-08-08. Review status: criteria provided, single submitter. Criteria: ACMG Guidelines, 2015. Collection method: clinical testing. Allele origin: germline.
Comment: This variant causes a T to C nucleotide substitution at the +6 position of intron 41 of the RYR2 gene. To our knowledge, functional studies have not been reported for this variant. This variant has not been reported in individuals affected with RYR2-related disorders in the literature. This variant has been identified in 2/276638 chromosomes in the general population by the Genome Aggregation Database (gnomAD). The available evidence is insufficient to determine the role of this variant in disease conclusively. Therefore, this variant is classified as a Variant of Uncertain Significance.

Labcorp Genetics (formerly Invitae), Labcorp
Classification: Uncertain significance for Catecholaminergic polymorphic ventricular tachycardia 1. Last evaluated: 2025-05-13. Review status: criteria provided, single submitter. Criteria: Invitae Variant Classification Sherloc (09022015). Collection method: clinical testing. Allele origin: germline.
Comment: This sequence change falls in intron 41 of the RYR2 gene. It does not directly change the encoded amino acid sequence of the RYR2 protein. It affects a nucleotide within the consensus splice site. This variant is present in population databases (rs775678664, gnomAD 0.008%). This variant has not been reported in the literature in individuals affected with RYR2-related conditions. ClinVar contains an entry for this variant (Variation ID: 463618). Variants that disrupt the consensus splice site are a relatively common cause of aberrant splicing (PMID: 17576681, 9536098). Algorithms developed to predict the effect of sequence changes on RNA splicing suggest that this variant is not likely to affect RNA splicing. In summary, the available evidence is currently insufficient to determine the role of this variant in disease. Therefore, it has been classified as a Variant of Uncertain Significance.

GeneDx
Classification: Uncertain significance. Last evaluated: 2019-11-06. Review status: criteria provided, single submitter. Criteria: GeneDx Variant Classification Process June 2021. Collection method: clinical testing. Allele origin: germline. Affected: yes.
Comment: Has not been previously published as pathogenic or benign to our knowledge; Not observed at a significant frequency in large population cohorts (Lek et al., 2016); In-silico analysis, which includes splice predictors and evolutionary conservation, is inconclusive as to whether the variant alters gene splicing. In the absence of RNA/functional studies, the actual effect of this sequence change is unknown.; Reported in ClinVar as a variant of uncertain significance by another clinical laboratory (ClinVar Variant ID# 463618; Landrum et al., 2016)

Literature cited by the submitters: PubMed 17576681 (cited by Labcorp Genetics (formerly Invitae), Labcorp); PubMed 9536098 (cited by Labcorp Genetics (formerly Invitae), Labcorp).

NM_001035.3(RYR2):c.6440+6T>C

Gene: RYR2 (ryanodine receptor 2; plus strand). Cytogenetic location: 1q43.
Variant type: single nucleotide variant.
Coding change: c.6440+6T>C on transcript NM_001035.3 (MANE Select); 6 bases into the intron after coding-DNA position 6440, T replaced by C.
Molecular consequence: intron variant.
Genome position (GRCh38, 1-based): chr1:237,628,086, T>C. VCF-style: chr1-237628086-T-C. GRCh37 (hg19) VCF-style: chr1-237791386-T-C.
Other names: c.6440+6T>C (LRG_402t1).
Identifiers: ClinVar variation 463618 (VCV000463618.12), dbSNP rs775678664, ClinGen allele CA087113.